The following is an entry in ClinVar:

NM_016239.4(MYO15A):c.4240G>A (p.Glu1414Lys)

Gene: MYO15A (myosin XVA; plus strand). Cytogenetic location: 17p11.2.
Variant type: single nucleotide variant.
Coding change: c.4240G>A on transcript NM_016239.4 (MANE Select); coding-DNA position 4240, G replaced by A.
Protein change: p.Glu1414Lys; replaces glutamic acid 1414 with lysine.
Molecular consequence: missense variant.
Genome position (GRCh38, 1-based): chr17:18,132,486, G>A. VCF-style: chr17-18132486-G-A. GRCh37 (hg19) VCF-style: chr17-18035800-G-A.
Other names: short protein forms E1414K.
Identifiers: ClinVar variation 402262 (VCV000402262.7), dbSNP rs1060499798, ClinGen allele CA16609582.

ClinVar aggregate classification (germline): Pathogenic/Likely pathogenic. Review status: criteria provided, multiple submitters, no conflicts (2 of 4 stars). 3 submissions from 3 submitters: Pathogenic (1); Likely pathogenic (1). 1 of the submissions does not count toward it. Last evaluated 2024-09-30.

Conditions:
Hearing impairment. Also called: Impaired Hearing. Identifiers: MedGen C1384666, MONDO:0005365, HP:0000365.
Autosomal recessive nonsyndromic hearing loss 3. Also called: NEUROSENSORY NONSYNDROMIC RECESSIVE DEAFNESS 3. Identifiers: Orphanet 90636, MedGen C1838263, MONDO:0010860, OMIM 600316.

Allele frequency attached by ClinVar (database versions not stated): gnomAD exomes below 0.00001; TOPMed 0.00001.
gnomAD v4.1: 5 of 1,613,974 alleles (0.00031%); highest among the groups gnomAD compares: Non-Finnish European, 0.00034%; no homozygotes.

Submissions (3):

Labcorp Genetics (formerly Invitae), Labcorp
Classification: Pathogenic. Last evaluated: 2024-09-30. Review status: criteria provided, single submitter. Criteria: Invitae Variant Classification Sherloc (09022015). Collection method: clinical testing. Allele origin: germline.
Comment: This sequence change replaces glutamic acid, which is acidic and polar, with lysine, which is basic and polar, at codon 1414 of the MYO15A protein (p.Glu1414Lys). RNA analysis indicates that this missense change induces altered splicing and likely results in a shortened protein product. This variant is present in population databases (no rsID available, gnomAD 0.0009%). This missense change has been observed in individuals with deafness (PMID: 21917145, 32747562). It has also been observed to segregate with disease in related individuals. ClinVar contains an entry for this variant (Variation ID: 402262). Invitae Evidence Modeling of protein sequence and biophysical properties (such as structural, functional, and spatial information, amino acid conservation, physicochemical variation, residue mobility, and thermodynamic stability) has been performed for this missense variant. However, the output from this modeling did not meet the statistical confidence thresholds required to predict the impact of this variant on MYO15A protein function. Studies have shown that this missense change results in skipping of exon 11, but is expected to preserve the integrity of the reading-frame (PMID: 32747562). For these reasons, this variant has been classified as Pathogenic.

Department of Otolaryngology – Head & Neck Surgery, Cochlear Implant Center
Classification: Likely pathogenic for Hearing impairment. Last evaluated: 2021-04-12. Review status: criteria provided, single submitter. Criteria: ClinGen HL ACMG Specifications v1. Collection method: clinical testing. Allele origin: germline. Affected: yes.
Comment: PS1_Strong, PM2_Moderate, PP3_Supporting

Hereditary Research Laboratory, Bethlehem University
Classification: Pathogenic for Autosomal recessive nonsyndromic hearing loss 3. Last evaluated: 2016-06-04. Review status: no assertion criteria provided. Collection method: research. Allele origin: germline. Affected: yes. Not counted in ClinVar's aggregate classification.
Comment: Severe to Profound SNHL

Literature cited by the submitters: PubMed 21917145 (cited by Labcorp Genetics (formerly Invitae), Labcorp); PubMed 32747562 (cited by Labcorp Genetics (formerly Invitae), Labcorp).